The following is an entry in ClinVar:

ClinVar aggregate classification (germline): Uncertain significance. Review status: criteria provided, multiple submitters, no conflicts (2 of 4 stars). 3 submissions from 3 submitters: Uncertain significance (3). Last evaluated 2023-05-31.

Conditions:
Hereditary spastic paraplegia 7 (SPG7). Also called: Spastic paraplegia 7; Hereditary spastic paraplegia Paraplegin type; SPG7-related neurologic disorder; Autosomal recessive spastic paraplegia type 7; SPASTIC PARAPLEGIA 7, AUTOSOMAL RECESSIVE, WITH OR WITHOUT CEREBELLAR ATAXIA. Identifiers: Orphanet 99013, MedGen C1846564, MONDO:0011803, OMIM 607259.
Inborn genetic diseases. Identifiers: MedGen C0950123, MeSH D030342.

Allele frequency attached by ClinVar (database versions not stated): gnomAD exomes 0.00001; TOPMed 0.00001; gnomAD 0.00006.
gnomAD v4.1: 14 of 1,613,016 alleles (0.00087%); highest among the groups gnomAD compares: East Asian, 0.029%; no homozygotes.

Submissions (3):

Ambry Genetics
Classification: Uncertain significance for Inborn genetic diseases. Last evaluated: 2023-05-31. Review status: criteria provided, single submitter. Criteria: Ambry Variant Classification Scheme 2023. Collection method: clinical testing. Allele origin: germline.

Labcorp Genetics (formerly Invitae), Labcorp
Classification: Uncertain significance for Hereditary spastic paraplegia 7. Last evaluated: 2022-06-28. Review status: criteria provided, single submitter. Criteria: Invitae Variant Classification Sherloc (09022015). Collection method: clinical testing. Allele origin: germline.
Comment: In summary, the available evidence is currently insufficient to determine the role of this variant in disease. Therefore, it has been classified as a Variant of Uncertain Significance. Advanced modeling of protein sequence and biophysical properties (such as structural, functional, and spatial information, amino acid conservation, physicochemical variation, residue mobility, and thermodynamic stability) performed at Invitae indicates that this missense variant is not expected to disrupt SPG7 protein function. ClinVar contains an entry for this variant (Variation ID: 448473). This variant has not been reported in the literature in individuals affected with SPG7-related conditions. This variant is present in population databases (no rsID available, gnomAD 0.05%). This sequence change replaces lysine, which is basic and polar, with glutamic acid, which is acidic and polar, at codon 111 of the SPG7 protein (p.Lys111Glu).

Athena Diagnostics
Classification: Uncertain significance. Last evaluated: 2016-09-21. Review status: criteria provided, single submitter. Criteria: Athena Diagnostics Criteria. Collection method: clinical testing. Allele origin: germline.

NM_003119.4(SPG7):c.331A>G (p.Lys111Glu)

Gene: SPG7 (SPG7 matrix AAA peptidase subunit, paraplegin; plus strand). Cytogenetic location: 16q24.3.
Variant type: single nucleotide variant.
Coding change: c.331A>G on transcript NM_003119.4 (MANE Select); coding-DNA position 331, A replaced by G.
Protein change: p.Lys111Glu; replaces lysine 111 with glutamic acid.
Molecular consequence: missense variant.
Genome position (GRCh38, 1-based): chr16:89,512,992, A>G. VCF-style: chr16-89512992-A-G. GRCh37 (hg19) VCF-style: chr16-89579400-A-G.
Other names: c.331A>G, p.Lys111Glu (NM_001363850.1, NM_199367.3); short protein forms K111E.
Identifiers: ClinVar variation 448473 (VCV000448473.7), dbSNP rs1239421989, ClinGen allele CA8243522.
Genomic context (GRCh38, chr16:89,512,992, plus strand): 5'-TCTCTATTTCTCATAGGTGGTACTTTCTATTTTAACACCTCAAGGTTGAAGCAGAAGAAT[A>G]AGGAGAAGGATAAGTCGAAGGGGAAGGCGCCTGAAGAGGACGAAGGTATATTCATCTGAT-3'
Protein context (NP_003110.1, residues 101-121): FNTSRLKQKN[Lys111Glu]EKDKSKGKAP